The following is an entry in ClinVar:

ClinVar aggregate classification (germline): Uncertain significance (1 of 4 stars; one submission).

gnomAD v4.1: 6 of 1,613,360 alleles (0.00037%); highest among the groups gnomAD compares: Non-Finnish European, 0.00042%; no homozygotes.

Submission:

Labcorp Genetics (formerly Invitae), Labcorp
Classification: Uncertain significance. Last evaluated: 2025-03-09. Review status: criteria provided, single submitter. Criteria: Invitae Variant Classification Sherloc (09022015). Collection method: clinical testing. Allele origin: germline.
Comment: This sequence change replaces threonine, which is neutral and polar, with proline, which is neutral and non-polar, at codon 537 of the COL11A1 protein (p.Thr537Pro). This variant is present in population databases (no rsID available, gnomAD 0.0009%). This missense change has been observed in individual(s) with short stature (PMID: 38087044). This variant is also known as c.1645A>C p.(Thr549Pro). Invitae Evidence Modeling of protein sequence and biophysical properties (such as structural, functional, and spatial information, amino acid conservation, physicochemical variation, residue mobility, and thermodynamic stability) indicates that this missense variant is not expected to disrupt COL11A1 protein function with a negative predictive value of 80%. In summary, the available evidence is currently insufficient to determine the role of this variant in disease. Therefore, it has been classified as a Variant of Uncertain Significance.

Literature cited by the submitters: PubMed 38087044.

NM_001854.4(COL11A1):c.1609A>C (p.Thr537Pro)

Gene: COL11A1 (collagen type XI alpha 1 chain; minus strand). Cytogenetic location: 1p21.1.
Variant type: single nucleotide variant.
Coding change: c.1609A>C on transcript NM_001854.4 (MANE Select); coding-DNA position 1609, A replaced by C.
Protein change: p.Thr537Pro; replaces threonine 537 with proline.
Molecular consequence: missense variant. On other transcripts: non-coding transcript variant (1).
Genome position (GRCh38, 1-based): chr1:103,012,433, T>G on the plus strand (A>C on the coding strand, the complement: COL11A1 is on the minus strand). VCF-style: chr1-103012433-T-G. GRCh37 (hg19) VCF-style: chr1-103477989-T-G.
Other names: c.1492A>C, p.Thr498Pro (NM_001190709.2); c.1645A>C, p.Thr549Pro (NM_080629.3); c.1261A>C, p.Thr421Pro (NM_080630.4); short protein forms T421P, T498P, T537P, T549P.
Identifiers: ClinVar variation 3604335 (VCV003604335.2).